The following is an entry in ClinVar:

ClinVar aggregate classification (germline): Uncertain significance (1 of 4 stars; one submission).

Submission:

Laboratory for Molecular Medicine, Mass General Brigham Personalized Medicine
Classification: Uncertain significance. Last evaluated: 2013-09-18. Review status: criteria provided, single submitter. Criteria: LMM Criteria. Collection method: clinical testing. Allele origin: germline. Observed: 2 variant alleles.
Comment: The Leu26242Pro variant in TTN has not been previously reported in any other fam ilies with cardiomyopathy or in large population studies. Computational analyses (biochemical amino acid properties, conservation, AlignGVGD, PolyPhen2, and SIF T) do not provide strong support for or against an impact to the protein. In sum mary, additional information is needed to fully assess the clinical significance of the Leu26242Pro variant.

NM_001267550.2(TTN):c.86429T>C (p.Leu28810Pro)

Genes: TTN (titin; minus strand), TTN-AS1 (TTN antisense RNA 1; plus strand). Cytogenetic location: 2q31.2.
Variant type: single nucleotide variant.
Coding change: c.86429T>C on transcript NM_001267550.2 (MANE Select); coding-DNA position 86429, T replaced by C.
Protein change: p.Leu28810Pro; replaces leucine 28810 with proline.
Molecular consequence: missense variant.
Genome position (GRCh38, 1-based): chr2:178,559,703, A>G on the plus strand (T>C on the coding strand, the complement: TTN is on the minus strand). VCF-style: chr2-178559703-A-G. GRCh37 (hg19) VCF-style: chr2-179424430-A-G.
Other names: c.81506T>C, p.Leu27169Pro (NM_001256850.1); c.59234T>C, p.Leu19745Pro (NM_003319.4); c.59609T>C, p.Leu19870Pro (NM_133432.3); c.59810T>C, p.Leu19937Pro (NM_133437.4); c.78725T>C, p.Leu26242Pro (NM_133378.4); short protein forms L28810P, L26242P, L19937P, L19745P, L19870P, L27169P.
Identifiers: ClinVar variation 47453 (VCV000047453.5), dbSNP rs397517734, ClinGen allele CA141047.